The following is an entry in ClinVar:

ClinVar aggregate classification (germline): Uncertain significance (1 of 4 stars; one submission).

Conditions:
Peroxisome biogenesis disorder. Identifiers: Orphanet 79189, MedGen C1832200, MONDO:0019234. Disease mechanism: loss of function.

Submission:

Labcorp Genetics (formerly Invitae), Labcorp
Classification: Uncertain significance for Peroxisome biogenesis disorder. Last evaluated: 2024-06-17. Review status: criteria provided, single submitter. Criteria: Invitae Variant Classification Sherloc (09022015). Collection method: clinical testing. Allele origin: germline.
Comment: This sequence change falls in intron 1 of the PEX16 gene. It does not directly change the encoded amino acid sequence of the PEX16 protein. It affects a nucleotide within the consensus splice site. This variant is not present in population databases (gnomAD no frequency). This variant has not been reported in the literature in individuals affected with PEX16-related conditions. ClinVar contains an entry for this variant (Variation ID: 2111329). Variants that disrupt the consensus splice site are a relatively common cause of aberrant splicing (PMID: 17576681, 9536098). Algorithms developed to predict the effect of sequence changes on RNA splicing suggest that this variant is not likely to affect RNA splicing. In summary, the available evidence is currently insufficient to determine the role of this variant in disease. Therefore, it has been classified as a Variant of Uncertain Significance.

Literature cited by the submitters: PubMed 17576681; PubMed 9536098.

NM_004813.4(PEX16):c.112+5C>T

Gene: PEX16 (peroxisomal biogenesis factor 16; minus strand). Cytogenetic location: 11p11.2.
Variant type: single nucleotide variant.
Coding change: c.112+5C>T on transcript NM_004813.4 (MANE Select); 5 bases into the intron after coding-DNA position 112, C replaced by T.
Molecular consequence: intron variant.
Genome position (GRCh38, 1-based): chr11:45,917,695, G>A on the plus strand (C>T on the coding strand, the complement: PEX16 is on the minus strand). VCF-style: chr11-45917695-G-A. GRCh37 (hg19) VCF-style: chr11-45939246-G-A.
Other names: c.112+5C>T (NM_057174.3).
Identifiers: ClinVar variation 2111329 (VCV002111329.4), dbSNP rs1341271925, ClinGen allele CA2580084314.
Genomic context (GRCh38, chr11:45,917,695, plus strand): 5'-GGAAGGGGGCCACTGGGGTCATAGGTCAGGGCCCAGAAGGAACTGATCAAAGGTCAGGGT[G>A]GCACCTGCCAGCAGGTAACTGAAGCCCCGCACTGCTGTCTCCAGCTGGGCCGTGGCGGCC-3'